The following is an entry in ClinVar:

ClinVar aggregate classification (germline): Uncertain significance (1 of 4 stars; one submission).

Submission:

Labcorp Genetics (formerly Invitae), Labcorp
Classification: Uncertain significance. Last evaluated: 2025-07-28. Review status: criteria provided, single submitter. Criteria: Invitae Variant Classification Sherloc (09022015). Collection method: clinical testing. Allele origin: germline.
Comment: This sequence change replaces tyrosine, which is neutral and polar, with histidine, which is basic and polar, at codon 221 of the PPP2R5B protein (p.Tyr221His). This variant is not present in population databases (gnomAD no frequency). This variant has not been reported in the literature in individuals affected with PPP2R5B-related conditions. ClinVar contains an entry for this variant (Variation ID: 2710717). Invitae Evidence Modeling of protein sequence and biophysical properties (such as structural, functional, and spatial information, amino acid conservation, physicochemical variation, residue mobility, and thermodynamic stability) indicates that this missense variant is expected to disrupt PPP2R5B protein function with a positive predictive value of 80%. In summary, the available evidence is currently insufficient to determine the role of this variant in disease. Therefore, it has been classified as a Variant of Uncertain Significance.

NM_006244.4(PPP2R5B):c.661T>C (p.Tyr221His)

Genes: PPP2R5B (protein phosphatase 2 regulatory subunit B'beta; plus strand), LOC126861234 (BRD4-independent group 4 enhancer GRCh37_chr11:64694868-64696067; plus strand). Cytogenetic location: 11q13.1.
Variant type: single nucleotide variant.
Coding change: c.661T>C on transcript NM_006244.4 (MANE Select); coding-DNA position 661, T replaced by C.
Protein change: p.Tyr221His; replaces tyrosine 221 with histidine.
Molecular consequence: missense variant.
Genome position (GRCh38, 1-based): chr11:64,928,364, T>C. VCF-style: chr11-64928364-T-C. GRCh37 (hg19) VCF-style: chr11-64695836-T-C.
Other names: short protein forms Y221H.
Identifiers: ClinVar variation 2710717 (VCV002710717.3), dbSNP rs2498188205, ClinGen allele CA381200282.